The following is an entry in ClinVar:

NM_001429.4(EP300):c.7135A>C (p.Asn2379His)

Gene: EP300 (EP300 lysine acetyltransferase; plus strand). Cytogenetic location: 22q13.2.
Variant type: single nucleotide variant.
Coding change: c.7135A>C on transcript NM_001429.4 (MANE Select); coding-DNA position 7135, A replaced by C.
Protein change: p.Asn2379His; replaces asparagine 2379 with histidine.
Molecular consequence: missense variant.
Genome position (GRCh38, 1-based): chr22:41,178,846, A>C. VCF-style: chr22-41178846-A-C. GRCh37 (hg19) VCF-style: chr22-41574850-A-C.
Other names: c.7135A>C (NM_001429.3); c.7057A>C, p.Asn2353His (NM_001362843.2); short protein forms N2379H, N2353H.
Identifiers: ClinVar variation 2040025 (VCV002040025.5), dbSNP rs202225885, ClinGen allele CA10254038.

ClinVar aggregate classification (germline): Benign. Review status: criteria provided, single submitter (1 of 4 stars). 2 submissions from 2 submitters: Benign (1). 1 of the submissions does not count toward it. Last evaluated 2023-08-21.

Conditions:
Rubinstein-Taybi syndrome due to EP300 haploinsufficiency. Also called: EP300-Related Rubinstein-Taybi Syndrome; RUBINSTEIN-TAYBI SYNDROME 2. Identifiers: Orphanet 353284, Orphanet 783, MedGen C3150941, MONDO:0013364, OMIM 613684.
EP300-related disorder. Also called: EP300-related disorders; EP300-related condition.

Allele frequency attached by ClinVar (database versions not stated): gnomAD 0.00003; gnomAD exomes 0.00003; TOPMed 0.00004; ExAC 0.00005; ESP Exome Variant Server 0.00008.

Submissions (2):

Labcorp Genetics (formerly Invitae), Labcorp
Classification: Benign for Rubinstein-Taybi syndrome due to EP300 haploinsufficiency. Last evaluated: 2023-08-21. Review status: criteria provided, single submitter. Criteria: Invitae Variant Classification Sherloc (09022015). Collection method: clinical testing. Allele origin: germline.

PreventionGenetics, part of Exact Sciences
Classification: Likely benign for EP300-related condition. Last evaluated: 2024-01-08. Review status: no assertion criteria provided. Collection method: clinical testing. Allele origin: germline. Not counted in ClinVar's aggregate classification.
Comment: This variant is classified as likely benign based on ACMG/AMP sequence variant interpretation guidelines (Richards et al. 2015 PMID: 25741868, with internal and published modifications).